The following is an entry in ClinVar:

NM_005431.2(XRCC2):c.97G>A (p.Ala33Thr)

Gene: XRCC2 (X-ray repair cross complementing 2; minus strand). Cytogenetic location: 7q36.1.
Variant type: single nucleotide variant.
Coding change: c.97G>A on transcript NM_005431.2 (MANE Select); coding-DNA position 97, G replaced by A.
Protein change: p.Ala33Thr; replaces alanine 33 with threonine.
Molecular consequence: missense variant.
Genome position (GRCh38, 1-based): chr7:152,660,725, C>T on the plus strand (G>A on the coding strand, the complement: XRCC2 is on the minus strand). VCF-style: chr7-152660725-C-T. GRCh37 (hg19) VCF-style: chr7-152357810-C-T.
Other names: short protein forms A33T.
Identifiers: ClinVar variation 1768252 (VCV001768252.7), dbSNP rs774296079, ClinGen allele CA370199444.

ClinVar aggregate classification (germline): Uncertain significance. Review status: criteria provided, multiple submitters, no conflicts (2 of 4 stars). 2 submissions from 2 submitters: Uncertain significance (2). Last evaluated 2025-08-17.

Conditions:
Hereditary cancer-predisposing syndrome. Also called: Hereditary Cancer Syndrome; Hereditary neoplastic syndrome; Neoplastic Syndromes, Hereditary; Tumor predisposition. Identifiers: Orphanet 140162, MedGen C0027672, MeSH D009386, MONDO:0015356.

Submissions (2):

Labcorp Genetics (formerly Invitae), Labcorp
Classification: Uncertain significance. Last evaluated: 2025-08-17. Review status: criteria provided, single submitter. Criteria: Invitae Variant Classification Sherloc (09022015). Collection method: clinical testing. Allele origin: germline.
Comment: This sequence change replaces alanine, which is neutral and non-polar, with threonine, which is neutral and polar, at codon 33 of the XRCC2 protein (p.Ala33Thr). This variant is not present in population databases (gnomAD no frequency). This variant has not been reported in the literature in individuals affected with XRCC2-related conditions. ClinVar contains an entry for this variant (Variation ID: 1768252). Invitae Evidence Modeling of protein sequence and biophysical properties (such as structural, functional, and spatial information, amino acid conservation, physicochemical variation, residue mobility, and thermodynamic stability) indicates that this missense variant is not expected to disrupt XRCC2 protein function with a negative predictive value of 80%. In summary, the available evidence is currently insufficient to determine the role of this variant in disease. Therefore, it has been classified as a Variant of Uncertain Significance.

Ambry Genetics
Classification: Uncertain significance for Hereditary cancer-predisposing syndrome. Last evaluated: 2021-11-06. Review status: criteria provided, single submitter. Criteria: Ambry Variant Classification Scheme 2023. Collection method: clinical testing. Allele origin: germline.
Comment: The p.A33T variant (also known as c.97G>A), located in coding exon 2 of the XRCC2 gene, results from a G to A substitution at nucleotide position 97. The alanine at codon 33 is replaced by threonine, an amino acid with similar properties. This amino acid position is conserved. In addition, this alteration is predicted to be tolerated by in silico analysis. Since supporting evidence is limited at this time, the clinical significance of this alteration remains unclear.